The following is an entry in ClinVar:

NM_016111.4(TELO2):c.967G>C (p.Ala323Pro)

Gene: TELO2 (telomere maintenance 2; plus strand). Cytogenetic location: 16p13.3.
Variant type: single nucleotide variant.
Coding change: c.967G>C on transcript NM_016111.4 (MANE Select); coding-DNA position 967, G replaced by C.
Protein change: p.Ala323Pro; replaces alanine 323 with proline.
Molecular consequence: missense variant.
Genome position (GRCh38, 1-based): chr16:1,500,129, G>C. VCF-style: chr16-1500129-G-C. GRCh37 (hg19) VCF-style: chr16-1550130-G-C.
Other names: c.967G>C, p.Ala323Pro (NM_001351846.2); short protein forms A323P.
Identifiers: ClinVar variation 1065502 (VCV001065502.10), dbSNP rs750187494, ClinGen allele CA7811872.
Genomic context (GRCh38, chr16:1,500,129, plus strand): 5'-GTGGACAGGCATGTGCTTTTATTGCAGACGCCCATGCTGCAGAGCCTGCTGGGCCATCTG[G>C]CCATGGACAGCCAGCGGCGCCCGCTCCTGCTGCAGGTACGTGCCTCCTGGCTCTCCGTCC-3'
Protein context (NP_057195.2, residues 313-333): PMLQSLLGHL[Ala323Pro]MDSQRRPLLL

ClinVar aggregate classification (germline): Uncertain significance. Review status: criteria provided, multiple submitters, no conflicts (2 of 4 stars). 3 submissions from 3 submitters: Uncertain significance (3). Last evaluated 2023-10-31.

Conditions:
TELO2-related intellectual disability-neurodevelopmental disorder. Also called: You-Hoover-Fong syndrome. Identifiers: Orphanet 488642, MedGen C4310778, MONDO:0014848, OMIM 616954.

Allele frequency attached by ClinVar (database versions not stated): ExAC 0.00001.
gnomAD v4.1: 3 of 1,608,258 alleles (0.00019%); highest among the groups gnomAD compares: South Asian, 0.0033%; no homozygotes.

Submissions (3):

GeneDx
Classification: Uncertain significance. Last evaluated: 2023-10-31. Review status: criteria provided, single submitter. Criteria: GeneDx Variant Classification Process June 2021. Collection method: clinical testing. Allele origin: germline. Affected: yes.
Comment: Not observed at significant frequency in large population cohorts (gnomAD); In silico analysis supports that this missense variant has a deleterious effect on protein structure/function; Has not been previously published as pathogenic or benign to our knowledge

Labcorp Genetics (formerly Invitae), Labcorp
Classification: Uncertain significance. Last evaluated: 2020-11-10. Review status: criteria provided, single submitter. Criteria: Invitae Variant Classification Sherloc (09022015). Collection method: clinical testing. Allele origin: germline.
Comment: In summary, the available evidence is currently insufficient to determine the role of this variant in disease. Therefore, it has been classified as a Variant of Uncertain Significance. Algorithms developed to predict the effect of missense changes on protein structure and function are either unavailable or do not agree on the potential impact of this missense change (SIFT: "Deleterious"; PolyPhen-2: "Probably Damaging"; Align-GVGD: "Class C0"). This variant has not been reported in the literature in individuals with TELO2-related conditions. This variant is present in population databases (rs750187494, ExAC 0.007%). This sequence change replaces alanine with proline at codon 323 of the TELO2 protein (p.Ala323Pro). The alanine residue is moderately conserved and there is a small physicochemical difference between alanine and proline.

Genomic Medicine Lab, University of California San Francisco
Classification: Uncertain significance for TELO2-related intellectual disability-neurodevelopmental disorder. Last evaluated: 2019-10-10. Review status: criteria provided, single submitter. Criteria: ACMG Guidelines, 2015. Collection method: clinical testing. Allele origin: germline. Inheritance: Autosomal recessive inheritance. Affected: yes. Study: CSER-P3EGS.